The following is an entry in ClinVar:

NM_000540.3(RYR1):c.4168T>C (p.Phe1390Leu)

Gene: RYR1 (ryanodine receptor 1; plus strand). Cytogenetic location: 19q13.2.
Variant type: single nucleotide variant.
Coding change: c.4168T>C on transcript NM_000540.3 (MANE Select); coding-DNA position 4168, T replaced by C.
Protein change: p.Phe1390Leu; replaces phenylalanine 1390 with leucine.
Molecular consequence: missense variant.
Genome position (GRCh38, 1-based): chr19:38,475,325, T>C. VCF-style: chr19-38475325-T-C. GRCh37 (hg19) VCF-style: chr19-38965965-T-C.
Other names: c.4168T>C, p.Phe1390Leu (NM_001042723.2); short protein forms F1390L.
Identifiers: ClinVar variation 2629827 (VCV002629827.1), dbSNP rs2514163190, ClinGen allele CA405644130.

ClinVar aggregate classification (germline): Uncertain significance (1 of 4 stars; one submission).

Conditions:
RYR1-related disorder. Also called: RYR1-related condition; RYR1-related disorders. Identifiers: MedGen CN239331.

Submission:

PreventionGenetics, part of Exact Sciences
Classification: Uncertain significance for RYR1-related condition. Last evaluated: 2022-12-12. Review status: criteria provided, single submitter. Criteria: ACMG Guidelines, 2015. Collection method: clinical testing. Allele origin: germline.
Comment: The RYR1 c.4168T>C variant is predicted to result in the amino acid substitution p.Phe1390Leu. To our knowledge, this variant has not been reported in the literature or in a large population database, indicating this variant is rare. At this time, the clinical significance of this variant is uncertain due to the absence of conclusive functional and genetic evidence.